The following is an entry in ClinVar:

ClinVar aggregate classification (germline): Benign/Likely benign. Review status: criteria provided, multiple submitters, no conflicts (2 of 4 stars). 3 submissions from 3 submitters: Benign (2); Likely benign (1). Last evaluated 2023-01-01.

Conditions:
Tuberous sclerosis syndrome (TSC). Also called: Tuberous sclerosis; Tuberous Sclerosis Complex. Identifiers: Orphanet 805, MedGen C0041341, MONDO:0001734.

Allele frequency attached by ClinVar (database versions not stated): 1000 Genomes Project 30x 0.00172; 1000 Genomes Project 0.00180; gnomAD 0.00203 and 0.00205; TOPMed 0.00206; gnomAD exomes 0.00366.
gnomAD v4.1: 5,265 of 1,524,666 alleles (0.35%); highest among the groups gnomAD compares: Non-Finnish European, 0.44%; 16 homozygotes.

Submissions (3):

CeGaT Center for Human Genetics Tuebingen
Classification: Likely benign. Last evaluated: 2023-01-01. Review status: criteria provided, single submitter. Criteria: CeGaT Center For Human Genetics Tuebingen Variant Classification Criteria Version 2. Collection method: clinical testing. Allele origin: germline. Affected: yes. Observed: 9 variant alleles.
Comment: TSC2: BS1

Illumina Laboratory Services, Illumina
Classification: Benign for Tuberous sclerosis syndrome. Last evaluated: 2018-01-12. Review status: criteria provided, single submitter. Criteria: ICSL Variant Classification Criteria 13 December 2019. Collection method: clinical testing. Allele origin: germline.
Comment: This variant was observed in the ICSL laboratory as part of a predisposition screen in an ostensibly healthy population. It had not been previously curated by ICSL or reported in the Human Gene Mutation Database (HGMD: prior to June 1st, 2018), and was therefore a candidate for classification through an automated scoring system. Utilizing variant allele frequency, disease prevalence and penetrance estimates, and inheritance mode, an automated score was calculated to assess if this variant is too frequent to cause the disease. Based on the score and internal cut-off values, a variant classified as benign is not then subjected to further curation. The score for this variant resulted in a classification of benign for this disease.

Breakthrough Genomics
Classification: Benign. Review status: criteria provided, single submitter. Criteria: ACMG Guidelines, 2015. Collection method: not provided. Allele origin: germline. Inheritance: Autosomal dominant inheritance. Affected: yes.

NM_000548.5(TSC2):c.*71C>T

Gene: TSC2 (TSC complex subunit 2; plus strand). Cytogenetic location: 16p13.3.
Variant type: single nucleotide variant.
Coding change: c.*71C>T on transcript NM_000548.5 (MANE Select); 71 bases downstream of the stop codon, C replaced by T.
Molecular consequence: 3 prime UTR variant.
Genome position (GRCh38, 1-based): chr16:2,088,681, C>T. VCF-style: chr16-2088681-C-T. GRCh37 (hg19) VCF-style: chr16-2138682-C-T.
Other names: c.*71C>T (NM_001077183.3, NM_001114382.3, NM_001318827.2 and 7 more transcripts).
Identifiers: ClinVar variation 318341 (VCV000318341.35), dbSNP rs45498900, ClinGen allele CA10647147.